The following is an entry in ClinVar:

ClinVar aggregate classification (germline): Conflicting classifications of pathogenicity. Review status: criteria provided, conflicting classifications (1 of 4 stars). 2 submissions from 2 submitters: Uncertain significance (1); Likely benign (1). Last evaluated 2022-09-27.

Conditions:
Inborn genetic diseases. Identifiers: MedGen C0950123, MeSH D030342.

Allele frequency attached by ClinVar (database versions not stated): TOPMed 0.00004; gnomAD 0.00005 and 0.00006; ExAC 0.00006; gnomAD exomes 0.00008; ESP Exome Variant Server 0.00015.
gnomAD v4.1: 97 of 1,613,256 alleles (0.006%); highest among the groups gnomAD compares: Middle Eastern, 0.018%; no homozygotes.

Submissions (2):

Labcorp Genetics (formerly Invitae), Labcorp
Classification: Uncertain significance. Last evaluated: 2022-09-27. Review status: criteria provided, single submitter. Criteria: Invitae Variant Classification Sherloc (09022015). Collection method: clinical testing. Allele origin: germline.
Comment: This sequence change replaces alanine, which is neutral and non-polar, with threonine, which is neutral and polar, at codon 613 of the LPIN1 protein (p.Ala613Thr). This variant is present in population databases (rs375865167, gnomAD 0.02%). This variant has not been reported in the literature in individuals affected with LPIN1-related conditions. ClinVar contains an entry for this variant (Variation ID: 1430852). Advanced modeling of protein sequence and biophysical properties (such as structural, functional, and spatial information, amino acid conservation, physicochemical variation, residue mobility, and thermodynamic stability) performed at Invitae indicates that this missense variant is not expected to disrupt LPIN1 protein function. In summary, the available evidence is currently insufficient to determine the role of this variant in disease. Therefore, it has been classified as a Variant of Uncertain Significance.

Ambry Genetics
Classification: Likely benign for Inborn genetic diseases. Last evaluated: 2021-08-23. Review status: criteria provided, single submitter. Criteria: Ambry Variant Classification Scheme 2023. Collection method: clinical testing. Allele origin: germline.

NM_001349206.2(LPIN1):c.1945G>A (p.Ala649Thr)

Gene: LPIN1 (lipin 1; plus strand). Cytogenetic location: 2p25.1.
Variant type: single nucleotide variant.
Coding change: c.1945G>A on transcript NM_001349206.2 (MANE Select); coding-DNA position 1945, G replaced by A.
Protein change: p.Ala649Thr; replaces alanine 649 with threonine.
Molecular consequence: missense variant. On other transcripts: non-coding transcript variant (1).
Genome position (GRCh38, 1-based): chr2:11,802,965, G>A. VCF-style: chr2-11802965-G-A. GRCh37 (hg19) VCF-style: chr2-11943091-G-A.
Other names: c.1855G>A, p.Ala619Thr (NM_001261427.3); c.2092G>A, p.Ala698Thr (NM_001261428.3); c.1837G>A, p.Ala613Thr (NM_001349199.2, NM_145693.4); c.1915G>A, p.Ala639Thr (NM_001349200.2, NM_001349201.2); c.1942G>A, p.Ala648Thr (NM_001349202.2, NM_001349203.2); c.1945G>A, p.Ala649Thr (NM_001349204.2, NM_001349205.2); c.2035G>A, p.Ala679Thr (NM_001349207.2); c.1984G>A, p.Ala662Thr (NM_001349208.2); and 1 more; short protein forms A619T, A679T, A698T, A613T, A639T, A648T, A649T, A662T.
Identifiers: ClinVar variation 1430852 (VCV001430852.4), dbSNP rs375865167, ClinGen allele CA1533940.